The following is an entry in ClinVar:

ClinVar aggregate classification (germline): Uncertain significance (1 of 4 stars; one submission).

Conditions:
Fanconi anemia complementation group O. Also called: RAD51C-Related Fanconi Anemia. Identifiers: Orphanet 84, MedGen C3150653, MONDO:0013248, OMIM 613390.

Submission:

Labcorp Genetics (formerly Invitae), Labcorp
Classification: Uncertain significance for Fanconi anemia complementation group O. Last evaluated: 2023-01-26. Review status: criteria provided, single submitter. Criteria: Invitae Variant Classification Sherloc (09022015). Collection method: clinical testing. Allele origin: germline.
Comment: This sequence change falls in intron 8 of the RAD51C gene. It does not directly change the encoded amino acid sequence of the RAD51C protein. It affects a nucleotide within the consensus splice site. This variant is not present in population databases (gnomAD no frequency). This variant has not been reported in the literature in individuals affected with RAD51C-related conditions. Variants that disrupt the consensus splice site are a relatively common cause of aberrant splicing (PMID: 17576681, 9536098). Algorithms developed to predict the effect of sequence changes on RNA splicing suggest that this variant may disrupt the consensus splice site. In summary, the available evidence is currently insufficient to determine the role of this variant in disease. Therefore, it has been classified as a Variant of Uncertain Significance.

Literature cited by the submitters: PubMed 17576681; PubMed 9536098.

NM_058216.3(RAD51C):c.1026+5G>C

Gene: RAD51C (RAD51 paralog C; plus strand). Cytogenetic location: 17q22.
Variant type: single nucleotide variant.
Coding change: c.1026+5G>C on transcript NM_058216.3 (MANE Select); 5 bases into the intron after coding-DNA position 1026, G replaced by C.
Molecular consequence: intron variant.
Genome position (GRCh38, 1-based): chr17:58,732,549, G>C. VCF-style: chr17-58732549-G-C. GRCh37 (hg19) VCF-style: chr17-56809910-G-C.
Identifiers: ClinVar variation 2832284 (VCV002832284.3), dbSNP rs2144046762, ClinGen allele CA400365321.